The following is an entry in ClinVar:

ClinVar aggregate classification (germline): Uncertain significance. Review status: criteria provided, multiple submitters, no conflicts (2 of 4 stars). 2 submissions from 2 submitters: Uncertain significance (2). Last evaluated 2026-01-15.

Conditions:
Intellectual developmental disorder, autosomal dominant 41. Also called: Intellectual disability, autosomal dominant 41. Identifiers: Orphanet 2823, MedGen C4310784, MONDO:0014842, OMIM 616944.

Submissions (2):

GeneDx
Classification: Uncertain significance. Last evaluated: 2026-01-15. Review status: criteria provided, single submitter. Criteria: GeneDx Variant Classification Process June 2021. Collection method: clinical testing. Allele origin: germline.
Comment: In silico analysis suggests that this missense variant does not alter protein structure/function; Has not been previously published as pathogenic or benign to our knowledge

3billion
Classification: Uncertain significance for Intellectual developmental disorder, autosomal dominant 41. Last evaluated: 2025-01-09. Review status: criteria provided, single submitter. Criteria: ACMG Guidelines, 2015. Collection method: clinical testing. Allele origin: germline. Affected: yes.
Comment: The variant is observed at an extremely low frequency in the gnomAD v4.1.0 dataset (total allele frequency: <0.001%). Predicted Consequence/Location: Missense variant. Missense changes are a common disease-causing mechanism. In silico tool predictions suggest damaging effect of the variant on gene or gene product [REVEL: 0.60 (>=0.6, sensitivity 0.68 and specificity 0.92); 3Cnet: 0.79 (>=0.6, sensitivity 0.72 and precision 0.9)]. Therefore, this variant is classified as VUS according to the recommendation of ACMG/AMP guideline.

NM_024665.7(TBL1XR1):c.1412C>T (p.Thr471Met)

Gene: TBL1XR1 (TBL1X/Y related 1; minus strand). Cytogenetic location: 3q26.32.
Variant type: single nucleotide variant.
Coding change: c.1412C>T on transcript NM_024665.7 (MANE Select); coding-DNA position 1412, C replaced by T.
Protein change: p.Thr471Met; replaces threonine 471 with methionine.
Molecular consequence: missense variant.
Genome position (GRCh38, 1-based): chr3:177,032,975, G>A on the plus strand (C>T on the coding strand, the complement: TBL1XR1 is on the minus strand). VCF-style: chr3-177032975-G-A. GRCh37 (hg19) VCF-style: chr3-176750763-G-A.
Other names: c.1412C>T, p.Thr471Met (NM_001321193.3, NM_001321194.3, NM_001374327.1 and 2 more transcripts); c.1151C>T, p.Thr384Met (NM_001321195.3, NM_001374330.1); c.1412C>T (NM_024665.4); short protein forms T384M, T471M.
Identifiers: ClinVar variation 4293000 (VCV004293000.2).